The following is an entry in ClinVar:

NM_031418.4(ANO3):c.785C>T (p.Pro262Leu)

Gene: ANO3 (anoctamin 3; plus strand). Cytogenetic location: 11p14.2.
Variant type: single nucleotide variant.
Coding change: c.785C>T on transcript NM_031418.4 (MANE Select); coding-DNA position 785, C replaced by T.
Protein change: p.Pro262Leu; replaces proline 262 with leucine.
Molecular consequence: missense variant.
Genome position (GRCh38, 1-based): chr11:26,531,252, C>T. VCF-style: chr11-26531252-C-T. GRCh37 (hg19) VCF-style: chr11-26552799-C-T.
Other names: c.968C>T, p.Pro323Leu (NM_001313726.2); c.347C>T, p.Pro116Leu (NM_001313727.2); short protein forms P116L, P262L, P323L.
Identifiers: ClinVar variation 3360839 (VCV003360839.2).

ClinVar aggregate classification (germline): Uncertain significance (1 of 4 stars; one submission).

Submission:

GeneDx
Classification: Uncertain significance. Last evaluated: 2026-07-24. Review status: criteria provided, single submitter. Criteria: GeneDx Variant Classification Process June 2021. Collection method: clinical testing. Allele origin: germline.
Comment: Not observed at significant frequency in large population cohorts (gnomAD); In silico analysis supports that this missense variant has a deleterious effect on protein structure/function; Has not been previously published as pathogenic or benign to our knowledge